The following is an entry in ClinVar:

ClinVar aggregate classification (germline): Uncertain significance (0 of 4 stars; one submission).

Conditions:
RBMX-related disorder. Also called: RBMX-related condition.

Submission:

PreventionGenetics, part of Exact Sciences
Classification: Uncertain significance for RBMX-related condition. Last evaluated: 2024-02-14. Review status: no assertion criteria provided. Collection method: clinical testing. Allele origin: germline.
Comment: The RBMX c.934_936delGAT variant is predicted to result in an in-frame deletion (p.Asp312del). To our knowledge, this variant has not been reported in the literature or in a large population database, indicating this variant is rare. At this time, the clinical significance of this variant is uncertain due to the absence of conclusive functional and genetic evidence.

NM_002139.4(RBMX):c.931GAT[1] (p.Asp312del)

Genes: RBMX (RNA binding motif protein X-linked; minus strand), LOC126863330 (MED14-independent group 3 enhancer GRCh37_chrX:135956167-135957366; plus strand). Cytogenetic location: Xq26.3.
Variant type: Microsatellite.
Coding change: c.931GAT[1] on transcript NM_002139.4 (MANE Select); one copy of the 3-base unit GAT starting at c.931; the reference has two copies in a row; one copy, 3 bases deleted.
Protein change: p.Asp312del; deletes aspartic acid 312.
Molecular consequence: non-coding transcript variant (on NR_028476.2). On other transcripts: intron variant (1).
Genome position (GRCh38, 1-based): chrX:136,874,382-136,874,384, ATC deleted on the plus strand (GAT on the coding strand, the reverse complement: RBMX is on the minus strand); deleting any 3 consecutive bases within chrX:136,874,382-136,874,389 gives the same sequence; the position shown is the placement nearest the transcript's 3' end. VCF-style (leftmost placement, unchanged base first): chrX-136874381-AATC-A. GRCh37 (hg19) VCF-style: chrX-135956540-AATC-A.
Other names: c.540+702_540+704del (NM_001164803.2); short protein forms D312del.
Identifiers: ClinVar variation 3030440 (VCV003030440.2), dbSNP rs1354258822, ClinGen allele CA871937495.